The following is an entry in ClinVar:

NM_001352754.2(ARMC9):c.35T>C (p.Leu12Pro)

Gene: ARMC9 (armadillo repeat containing 9; plus strand). Cytogenetic location: 2q37.1.
Variant type: single nucleotide variant.
Coding change: c.35T>C on transcript NM_001352754.2 (MANE Select); coding-DNA position 35, T replaced by C.
Protein change: p.Leu12Pro; replaces leucine 12 with proline.
Molecular consequence: missense variant. On other transcripts: non-coding transcript variant (1).
Genome position (GRCh38, 1-based): chr2:231,206,273, T>C. VCF-style: chr2-231206273-T-C. GRCh37 (hg19) VCF-style: chr2-232070986-T-C.
Other names: c.35T>C, p.Leu12Pro (NM_001271466.4, NM_001291656.2, NM_001352755.2 and 5 more transcripts); short protein forms L12P.
Identifiers: ClinVar variation 1716787 (VCV001716787.5), dbSNP rs767650589, ClinGen allele CA66810402.
Genomic context (GRCh38, chr2:231,206,273, plus strand): 5'-GAATTAATTACCAGTAACAGTTCAATATGGGGGACATTCTGGCTCATGAATCTGAATTAC[T>C]TGGACTAGTGAAAGAGGTAGGTATATTATACAAAGCAGAGGTCACAGAGAAACAGATCTT-3'
Protein context (NP_001339683.2, residues 2-22): GDILAHESEL[Leu12Pro]GLVKEYLDFA

ClinVar aggregate classification (germline): Uncertain significance (1 of 4 stars; one submission).

Submission:

Labcorp Genetics (formerly Invitae), Labcorp
Classification: Uncertain significance. Last evaluated: 2022-09-27. Review status: criteria provided, single submitter. Criteria: Invitae Variant Classification Sherloc (09022015). Collection method: clinical testing. Allele origin: germline.
Comment: In summary, the available evidence is currently insufficient to determine the role of this variant in disease. Therefore, it has been classified as a Variant of Uncertain Significance. Experimental studies and prediction algorithms are not available or were not evaluated, and the functional significance of this variant is currently unknown. This variant has not been reported in the literature in individuals affected with ARMC9-related conditions. This variant is not present in population databases (gnomAD no frequency). This sequence change replaces leucine, which is neutral and non-polar, with proline, which is neutral and non-polar, at codon 12 of the ARMC9 protein (p.Leu12Pro).